The following is an entry in ClinVar:

NM_001244008.2(KIF1A):c.3888C>T (p.Arg1296=)

Genes: KIF1A (kinesin family member 1A; minus strand), LOC126806583 (P300/CBP strongly-dependent group 1 enhancer GRCh37_chr2:241678910-241680109; plus strand). Cytogenetic location: 2q37.3.
Variant type: single nucleotide variant.
Coding change: c.3888C>T on transcript NM_001244008.2 (MANE Select); coding-DNA position 3888, C replaced by T.
Protein change: p.Arg1296=; no amino-acid change (arginine 1296 retained).
Molecular consequence: synonymous variant.
Genome position (GRCh38, 1-based): chr2:240,740,071, G>A on the plus strand (C>T on the coding strand, the complement: KIF1A is on the minus strand). VCF-style: chr2-240740071-G-A. GRCh37 (hg19) VCF-style: chr2-241679488-G-A.
Other names: c.3585C>T (NM_004321.7); c.3612C>T, p.Arg1204= (NM_001320705.2, NM_001330289.2, NM_001379638.1); c.3687C>T, p.Arg1229= (NM_001330290.2, NM_001379634.1, NM_001379635.1 and 1 more transcripts); c.3963C>T, p.Arg1321= (NM_001379631.1); c.3837C>T, p.Arg1279= (NM_001379632.1); c.3861C>T, p.Arg1287= (NM_001379633.1, NM_001379642.1, NM_001379645.1); c.3585C>T, p.Arg1195= (NM_001379636.1, NM_001379639.1, NM_001379641.1 and 5 more transcripts); c.3660C>T, p.Arg1220= (NM_001379637.1, NM_001379648.1); and 1 more.
Identifiers: ClinVar variation 335266 (VCV000335266.74), dbSNP rs144520412, ClinGen allele CA2207606.

ClinVar aggregate classification (germline): Conflicting classifications of pathogenicity. Review status: criteria provided, conflicting classifications (1 of 4 stars). 13 submissions from 13 submitters: Uncertain significance (1); Benign (4); Likely benign (5). 3 of the submissions do not count toward it. Last evaluated 2026-01-25.

Conditions:
Hereditary spastic paraplegia 30. Identifiers: Orphanet 101010, MedGen C5235139, MONDO:0012476.
Neuropathy, hereditary sensory, type 2C. Also called: KIF1A-Related HSAN2 (HSAN2C); Hereditary sensory and autonomic neuropathy type IIC. Identifiers: Orphanet 970, MedGen C3280168, MONDO:0013634, OMIM 614213.
Intellectual disability, autosomal dominant 9 (NESCAVS). Also called: NESCAV SYNDROME; KIF1A-Related Neurodevelopmental Disorder. Identifiers: Orphanet 662367, MedGen C5393830, MONDO:0013656, OMIM 614255.
Inborn genetic diseases. Identifiers: MedGen C0950123, MeSH D030342.
Hereditary spastic paraplegia. Also called: Familial spastic paraparesis. Identifiers: Orphanet 685, MedGen C0037773, MONDO:0019064. Disease mechanism: loss of function.

Allele frequency attached by ClinVar (database versions not stated): ESP Exome Variant Server 0.00149; gnomAD 0.00201 and 0.00211; gnomAD exomes 0.00229 and 0.00278; TOPMed 0.00253; 1000 Genomes Project 30x 0.00265; 1000 Genomes Project 0.00280; ExAC 0.00311.
gnomAD v4.1: 4,300 of 1,585,678 alleles (0.27%); highest among the groups gnomAD compares: Admixed American, 0.56%; 11 homozygotes.

Submissions (13):

Labcorp Genetics (formerly Invitae), Labcorp
Classification: Benign for Hereditary spastic paraplegia 30; Neuropathy, hereditary sensory, type 2C; Intellectual disability, autosomal dominant 9. Last evaluated: 2026-01-25. Review status: criteria provided, single submitter. Criteria: Invitae Variant Classification Sherloc (09022015). Collection method: clinical testing. Allele origin: germline.

CeGaT Center for Human Genetics Tuebingen
Classification: Likely benign. Last evaluated: 2026-01-01. Review status: criteria provided, single submitter. Criteria: CeGaT Center For Human Genetics Tuebingen Variant Classification Criteria Version 2. Collection method: clinical testing. Allele origin: germline. Affected: yes. Observed: 13 variant alleles.
Comment: KIF1A: BP4, BS2

Blueprint Genetics
Classification: Likely benign. Last evaluated: 2024-11-25. Review status: criteria provided, single submitter. Criteria: ACMG Guidelines, 2015. Collection method: clinical testing. Allele origin: germline.

ARUP Laboratories, Molecular Genetics and Genomics, ARUP Laboratories
Classification: Likely benign. Last evaluated: 2024-10-03. Review status: criteria provided, single submitter. Criteria: ARUP Molecular Germline Variant Investigation Process 2024. Collection method: clinical testing. Allele origin: germline.

Athena Diagnostics
Classification: Benign. Last evaluated: 2021-08-31. Review status: criteria provided, single submitter. Criteria: Athena Diagnostics Criteria. Collection method: clinical testing. Allele origin: unknown.

Genome Diagnostics Laboratory, The Hospital for Sick Children
Classification: Likely benign for Hereditary spastic paraplegia. Last evaluated: 2021-02-18. Review status: criteria provided, single submitter. Criteria: ACMG Guidelines, 2015. Collection method: clinical testing. Allele origin: germline. Affected: yes.

Illumina Laboratory Services, Illumina
Classification: Uncertain significance for Spastic paraplegia 30A, autosomal dominant. Last evaluated: 2018-01-13. Review status: criteria provided, single submitter. Criteria: ICSL Variant Classification Criteria 13 December 2019. Collection method: clinical testing. Allele origin: germline.

Genetic Services Laboratory, University of Chicago
Classification: Benign. Last evaluated: 2016-10-20. Review status: criteria provided, single submitter. Criteria: ACMG Guidelines, 2015. Collection method: clinical testing. Allele origin: germline. Affected: no.

Ambry Genetics
Classification: Likely benign for Inborn genetic diseases. Last evaluated: 2016-08-17. Review status: criteria provided, single submitter. Criteria: Ambry Variant Classification Scheme 2023. Collection method: clinical testing. Allele origin: germline.

GeneDx
Classification: Benign. Last evaluated: 2015-03-03. Review status: criteria provided, single submitter. Criteria: GeneDx Variant Classification Process June 2021. Collection method: clinical testing. Allele origin: germline. Affected: yes.

Clinical Genetics DNA and cytogenetics Diagnostics Lab, Erasmus MC, Erasmus Medical Center
Classification: Likely benign. Review status: no assertion criteria provided. Collection method: clinical testing. Allele origin: germline. Affected: yes. Study: VKGL Data-share Consensus. Not counted in ClinVar's aggregate classification.

Diagnostic Laboratory, Department of Genetics, University Medical Center Groningen
Classification: Benign. Review status: no assertion criteria provided. Collection method: clinical testing. Allele origin: germline. Affected: yes. Study: VKGL Data-share Consensus. Not counted in ClinVar's aggregate classification.

Genome Diagnostics Laboratory, University Medical Center Utrecht
Classification: Likely benign. Review status: no assertion criteria provided. Collection method: clinical testing. Allele origin: germline. Affected: yes. Study: VKGL Data-share Consensus. Not counted in ClinVar's aggregate classification.